The following is an entry in ClinVar:

NM_002979.5(SCP2):c.21G>A (p.Glu7=)

Gene: SCP2 (sterol carrier protein 2; plus strand). Cytogenetic location: 1p32.3.
Variant type: single nucleotide variant.
Coding change: c.21G>A on transcript NM_002979.5 (MANE Select); coding-DNA position 21, G replaced by A.
Protein change: p.Glu7=; no amino-acid change (glutamic acid 7 retained).
Molecular consequence: synonymous variant. On other transcripts: 5 prime UTR variant (1).
Genome position (GRCh38, 1-based): chr1:52,927,417, G>A. VCF-style: chr1-52927417-G-A. GRCh37 (hg19) VCF-style: chr1-53393089-G-A.
Other names: c.21G>A, p.Glu7= (NM_001007098.3, NM_001193599.2, NM_001193600.2 and 1 more transcripts); c.-165G>A (NM_001193617.2); c.21G>A (NM_002979.4).
Identifiers: ClinVar variation 1659928 (VCV001659928.9), dbSNP rs780256464, ClinGen allele CA856982.

ClinVar aggregate classification (germline): Likely benign. Review status: criteria provided, single submitter (1 of 4 stars). 2 submissions from 2 submitters: Likely benign (1). 1 of the submissions does not count toward it. Last evaluated 2025-05-05.

Conditions:
SCP2-related disorder. Also called: SCP2-related condition.

Allele frequency attached by ClinVar (database versions not stated): ExAC 0.00002; gnomAD 0.00002; TOPMed 0.00002; gnomAD exomes 0.00004.
gnomAD v4.1: 61 of 1,599,928 alleles (0.0038%); highest among the groups gnomAD compares: Non-Finnish European, 0.0051%; no homozygotes.

Submissions (2):

Labcorp Genetics (formerly Invitae), Labcorp
Classification: Likely benign. Last evaluated: 2025-05-05. Review status: criteria provided, single submitter. Criteria: Invitae Variant Classification Sherloc (09022015). Collection method: clinical testing. Allele origin: germline.

PreventionGenetics, part of Exact Sciences
Classification: Likely benign for SCP2-related condition. Last evaluated: 2024-04-17. Review status: no assertion criteria provided. Collection method: clinical testing. Allele origin: germline. Not counted in ClinVar's aggregate classification.
Comment: This variant is classified as likely benign based on ACMG/AMP sequence variant interpretation guidelines (Richards et al. 2015 PMID: 25741868, with internal and published modifications).